The following is an entry in ClinVar:

NM_014806.5(RUSC2):c.3360C>G (p.Phe1120Leu)

Gene: RUSC2 (RUN and SH3 domain containing 2; plus strand). Cytogenetic location: 9p13.3.
Variant type: single nucleotide variant.
Coding change: c.3360C>G on transcript NM_014806.5 (MANE Select); coding-DNA position 3360, C replaced by G.
Protein change: p.Phe1120Leu; replaces phenylalanine 1120 with leucine.
Molecular consequence: missense variant. On other transcripts: non-coding transcript variant (1).
Genome position (GRCh38, 1-based): chr9:35,559,244, C>G. VCF-style: chr9-35559244-C-G. GRCh37 (hg19) VCF-style: chr9-35559241-C-G.
Other names: c.3360C>G, p.Phe1120Leu (NM_001135999.2); c.726C>G, p.Phe242Leu (NM_001330740.2); short protein forms F242L, F1120L.
Identifiers: ClinVar variation 1397536 (VCV001397536.3), dbSNP rs981313421, ClinGen allele CA192757654.
Genomic context (GRCh38, chr9:35,559,244, plus strand): 5'-TATTCACACAAGACTCAACTCTCTTCACCTGTCTCCCTACAGCATCCGGTCCCTGGAGTT[C>G]TGGTTTAATCACCTCTATAACCACGAAGGTAATGCCTAGAACCCTGCAGGTCAAACTCAA-3'
Protein context (NP_055621.2, residues 1110-1130): LGLLNIRSLE[Phe1120Leu]WFNHLYNHED

ClinVar aggregate classification (germline): Uncertain significance (1 of 4 stars; one submission).

Allele frequency attached by ClinVar (database versions not stated): gnomAD exomes below 0.00001; gnomAD 0.00001 and 0.00002; TOPMed 0.00001.
gnomAD v4.1: 5 of 1,613,570 alleles (0.00031%); highest among the groups gnomAD compares: African/African-American, 0.004%; no homozygotes.

Submission:

Labcorp Genetics (formerly Invitae), Labcorp
Classification: Uncertain significance. Last evaluated: 2022-01-13. Review status: criteria provided, single submitter. Criteria: Invitae Variant Classification Sherloc (09022015). Collection method: clinical testing. Allele origin: germline.
Comment: This sequence change replaces phenylalanine, which is neutral and non-polar, with leucine, which is neutral and non-polar, at codon 1120 of the RUSC2 protein (p.Phe1120Leu). This variant is present in population databases (no rsID available, gnomAD 0.007%). This variant has not been reported in the literature in individuals affected with RUSC2-related conditions. Algorithms developed to predict the effect of missense changes on protein structure and function are either unavailable or do not agree on the potential impact of this missense change (SIFT: "Deleterious"; PolyPhen-2: "Probably Damaging"; Align-GVGD: "Class C15"). In summary, the available evidence is currently insufficient to determine the role of this variant in disease. Therefore, it has been classified as a Variant of Uncertain Significance.